The following is an entry in ClinVar:

NM_198253.3(TERT):c.2214G>A (p.Thr738=)

Gene: TERT (telomerase reverse transcriptase; minus strand). Cytogenetic location: 5p15.33.
Variant type: single nucleotide variant.
Coding change: c.2214G>A on transcript NM_198253.3 (MANE Select); coding-DNA position 2214, G replaced by A.
Protein change: p.Thr738=; no amino-acid change (threonine 738 retained).
Molecular consequence: synonymous variant. On other transcripts: non-coding transcript variant (2).
Genome position (GRCh38, 1-based): chr5:1,278,713, C>T on the plus strand (G>A on the coding strand, the complement: TERT is on the minus strand). VCF-style: chr5-1278713-C-T. GRCh37 (hg19) VCF-style: chr5-1278828-C-T.
Other names: c.2214G>A, p.Thr738= (NM_001193376.3).
Identifiers: ClinVar variation 416278 (VCV000416278.16), dbSNP rs200858212, ClinGen allele CA3184625.
Genomic context (GRCh38, chr5:1,278,713, plus strand): 5'-GGCCTTGCGGACGTGCCCATGGGCGGCCTTCTGGACCACGGCATACCGACGCACGCAGTA[C>T]GTGTTCTGGGGTTTGATGATGCTGGCGATGACCTCCGTGAGCCTGTCCTGGGGGATGGTG-3'
Protein context (NP_937983.2, residues 728-748): VIASIIKPQN[Thr738=]YCVRRYAVVQ

ClinVar aggregate classification (germline): Likely benign. Review status: criteria provided, multiple submitters, no conflicts (2 of 4 stars). 4 submissions from 4 submitters: Likely benign (3). 1 of the submissions does not count toward it. Last evaluated 2025-12-21.

Conditions:
Idiopathic Pulmonary Fibrosis. Also called: Idiopathic fibrosing alveolitis, chronic form; idiopathic fibrosing alveolitis. Identifiers: Orphanet 2032, MedGen C1800706, MeSH D054990, MONDO:0800504.
Dyskeratosis congenita, autosomal dominant 2. Identifiers: MedGen C3151443, MONDO:0013521, OMIM 613989.
TERT-related disorder. Also called: TERT-related condition; TERT-related disorders.
Dyskeratosis congenita. Identifiers: Orphanet 1775, MedGen C0265965, MONDO:0015780.

Allele frequency attached by ClinVar (database versions not stated): gnomAD exomes 0.00003 and 0.00004; ExAC 0.00006; gnomAD 0.00008 and 0.00009; TOPMed 0.00010; ESP Exome Variant Server 0.00015.
gnomAD v4.1: 59 of 1,614,054 alleles (0.0037%); highest among the groups gnomAD compares: African/African-American, 0.023%; no homozygotes.

Submissions (4):

Labcorp Genetics (formerly Invitae), Labcorp
Classification: Likely benign for Dyskeratosis congenita, autosomal dominant 2; Idiopathic Pulmonary Fibrosis. Last evaluated: 2025-12-21. Review status: criteria provided, single submitter. Criteria: Invitae Variant Classification Sherloc (09022015). Collection method: clinical testing. Allele origin: germline.

Ambry Genetics
Classification: Likely benign for Dyskeratosis congenita. Last evaluated: 2022-03-02. Review status: criteria provided, single submitter. Criteria: Ambry Variant Classification Scheme 2023. Collection method: clinical testing. Allele origin: germline.

Breakthrough Genomics
Classification: Likely benign. Review status: criteria provided, single submitter. Criteria: ACMG Guidelines, 2015. Collection method: not provided. Allele origin: germline. Inheritance: Autosomal recessive inheritance. Affected: yes.

PreventionGenetics, part of Exact Sciences
Classification: Likely benign for TERT-related condition. Last evaluated: 2024-03-08. Review status: no assertion criteria provided. Collection method: clinical testing. Allele origin: germline. Not counted in ClinVar's aggregate classification.
Comment: This variant is classified as likely benign based on ACMG/AMP sequence variant interpretation guidelines (Richards et al. 2015 PMID: 25741868, with internal and published modifications).